The following is an entry in ClinVar:

NM_000059.4(BRCA2):c.8295T>A (p.Cys2765Ter)

Gene: BRCA2 (BRCA2 DNA repair associated; plus strand). Cytogenetic location: 13q13.1.
Variant type: single nucleotide variant.
Coding change: c.8295T>A on transcript NM_000059.4 (MANE Select); coding-DNA position 8295, T replaced by A.
Protein change: p.Cys2765Ter; replaces cysteine 2765 with a stop codon.
Molecular consequence: nonsense.
Genome position (GRCh38, 1-based): chr13:32,363,497, T>A. VCF-style: chr13-32363497-T-A. GRCh37 (hg19) VCF-style: chr13-32937634-T-A.
Other names: 8523T>A; short protein forms C2765*.
Identifiers: ClinVar variation 267066 (VCV000267066.6), dbSNP rs886040756, ClinGen allele CA10589479.

ClinVar aggregate classification (germline): Pathogenic. Review status: reviewed by expert panel (3 of 4 stars). 3 submissions from 3 submitters: Pathogenic (1). 2 of the submissions do not count toward it. Last evaluated 2016-10-18.

Conditions:
Breast-ovarian cancer, familial, susceptibility to, 2 (BROVCA2). Also called: BRCA2 Hereditary Breast and Ovarian Cancer. Identifiers: Orphanet 145, MedGen C2675520, MONDO:0012933, OMIM 612555. Disease mechanism: loss of function.

Submissions (3):

Evidence-based Network for the Interpretation of Germline Mutant Alleles (ENIGMA)
Classification: Pathogenic for Breast-ovarian cancer, familial, susceptibility to, 2. Last evaluated: 2016-10-18. Review status: reviewed by expert panel. Criteria: ENIGMA BRCA1/2 Classification Criteria (2015). Collection method: curation. Allele origin: germline.
Comment: Variant allele predicted to encode a truncated non-functional protein.

Myriad Genetics, Inc.
Classification: Pathogenic for Breast-ovarian cancer, familial, susceptibility to, 2. Last evaluated: 2023-09-29. Review status: criteria provided, single submitter. Criteria: Myriad Autosomal Dominant, Autosomal Recessive and X-Linked Classification Criteria (2023). Collection method: clinical testing. Allele origin: unknown. Not counted in ClinVar's aggregate classification.
Comment: This variant is considered pathogenic. This variant creates a termination codon and is predicted to result in premature protein truncation.

Consortium of Investigators of Modifiers of BRCA1/2 (CIMBA), c/o University of Cambridge
Classification: Pathogenic for Breast-ovarian cancer, familial, susceptibility to, 2. Last evaluated: 2015-10-02. Review status: criteria provided, single submitter. Criteria: CIMBA Mutation Classification guidelines May 2016. Collection method: clinical testing. Allele origin: germline. Not counted in ClinVar's aggregate classification.